The following is an entry in ClinVar:

NM_022124.6(CDH23):c.136_137del (p.Thr46fs)

Gene: CDH23 (cadherin related 23; plus strand). Cytogenetic location: 10q22.1.
Variant type: Microsatellite.
Coding change: c.136_137del on transcript NM_022124.6 (MANE Select); coding-DNA positions 136 to 137, 2 bases deleted (AC; older notation c.136_137delAC).
Protein change: p.Thr46fs; shifts the reading frame from threonine 46.
Molecular consequence: frameshift variant.
Genome position (GRCh38, 1-based): chr10:71,446,386-71,446,387, AC deleted; deleting any 2 consecutive bases within chr10:71,446,384-71,446,387 gives the same sequence; the c. name uses the placement nearest the transcript's 3' end. VCF-style (leftmost placement, unchanged base first): chr10-71446383-GAC-G. GRCh37 (hg19) VCF-style: chr10-73206140-GAC-G.
Other names: c.136_137del, p.Thr46fs (NM_001171930.2, NM_001171931.2, NM_001171932.2 and 1 more transcripts); short protein forms T46fs.
Identifiers: ClinVar variation 1414155 (VCV001414155.8), dbSNP rs2132023620, ClinGen allele CA2580615500.

ClinVar aggregate classification (germline): Pathogenic/Likely pathogenic. Review status: criteria provided, multiple submitters, no conflicts (2 of 4 stars). 2 submissions from 2 submitters: Pathogenic (1); Likely pathogenic (1). Last evaluated 2025-01-10.

Submissions (2):

Dasa
Classification: Likely pathogenic. Last evaluated: 2025-01-10. Review status: criteria provided, single submitter. Criteria: DASA Assertion Criteria. Collection method: clinical testing. Allele origin: germline.
Comment: NM_022124.6(CDH23):c.136_137del (p.Thr46Alafs*17) is a frameshift variant in CDH23 predicted to alter the reading frame and introduce a premature termination codon and is predicted to result in an absent or altered protein product. Loss of function is an established disease mechanism for CDH23-associated disorders. Also, this variant is absent from population databases. Based on the currently available evidence, this variant is classified as likely pathogenic.

Labcorp Genetics (formerly Invitae), Labcorp
Classification: Pathogenic. Last evaluated: 2022-08-22. Review status: criteria provided, single submitter. Criteria: Invitae Variant Classification Sherloc (09022015). Collection method: clinical testing. Allele origin: germline.
Comment: This variant is not present in population databases (gnomAD no frequency). This sequence change creates a premature translational stop signal (p.Thr46Alafs*17) in the CDH23 gene. It is expected to result in an absent or disrupted protein product. Loss-of-function variants in CDH23 are known to be pathogenic (PMID: 11138009, 21940737). This variant has not been reported in the literature in individuals affected with CDH23-related conditions. For these reasons, this variant has been classified as Pathogenic.

Literature cited by the submitters: PubMed 11138009 (cited by Labcorp Genetics (formerly Invitae), Labcorp); PubMed 21940737 (cited by Labcorp Genetics (formerly Invitae), Labcorp).